The following is an entry in ClinVar:

ClinVar aggregate classification (germline): Conflicting classifications of pathogenicity. Review status: criteria provided, conflicting classifications (1 of 4 stars). 12 submissions from 12 submitters: Uncertain significance (6); Likely benign (3). 3 of the submissions do not count toward it. Last evaluated 2025-12-26.

Conditions:
Hereditary cancer-predisposing syndrome. Also called: Neoplastic Syndromes, Hereditary; Tumor predisposition; Hereditary neoplastic syndrome; Hereditary Cancer Syndrome. Identifiers: Orphanet 140162, MedGen C0027672, MeSH D009386, MONDO:0015356.
Hereditary breast ovarian cancer syndrome. Also called: Hereditary breast and ovarian cancer syndrome; Hereditary breast and ovarian cancer; Hereditary breast and ovarian cancer syndrome (HBOC); Breast and ovarian cancer; Hereditary breast and/or ovarian cancer syndrome; BRCA1- and BRCA2-Associated Hereditary Breast and Ovarian Cancer. Identifiers: Orphanet 145, MedGen C0677776, MeSH D061325, MONDO:0003582. Disease mechanism: loss of function.
BRCA2-related cancer predisposition. Identifiers: MedGen CN377758, MONDO:0700269.
Breast-ovarian cancer, familial, susceptibility to, 2 (BROVCA2). Also called: BRCA2 Hereditary Breast and Ovarian Cancer. Identifiers: Orphanet 145, MedGen C2675520, MONDO:0012933, OMIM 612555. Disease mechanism: loss of function.

Allele frequency attached by ClinVar (database versions not stated): gnomAD exomes below 0.00001; gnomAD 0.00001; TOPMed 0.00001; ESP Exome Variant Server 0.00008.
gnomAD v4.1: 4 of 1,613,152 alleles (0.00025%); highest among the groups gnomAD compares: Non-Finnish European, 0.00034%; no homozygotes.

Submissions (12):

Women's Health and Genetics/Laboratory Corporation of America, LabCorp
Classification: Likely benign. Last evaluated: 2025-12-26. Review status: criteria provided, single submitter. Criteria: LabCorp Variant Classification Summary - May 2015. Collection method: clinical testing. Allele origin: germline.
Comment: Variant summary: BRCA2 c.9032T>C (p.Leu3011Pro) results in a non-conservative amino acid change in the encoded protein sequence. Algorithms developed to predict the effect of missense changes on protein structure and function all suggest that this variant is likely to be disruptive. The variant was absent in 250554 control chromosomes. The available data on variant occurrences in the general population are insufficient to allow any conclusion about variant significance. c.9032T>C has been reported in the literature in individuals evaluated for Hereditary Breast and Ovarian Cancer (Schenkel_2016), and Ovarian Cancer (Hauke_2022). These reports do not provide unequivocal conclusions about association of the variant with Hereditary Breast And Ovarian Cancer Syndrome. Co-occurrence with at least one other pathogenic variant has been reported (BRCA1 c.66_67insA, p.Leu22_Glu23fs, BIC database), providing supporting evidence for a benign role. At least one publication reports experimental evidence evaluating an impact on protein function. The most pronounced variant effect results in normal activity (Hu_2024). The HDR assay qualifies as a standardized gold-standard assay on the basis of the updated guidance provided by the ClinGen Sequence Variant Interpretation (SVI) Working Group (Brnich_2019). ClinGen SVI now recognizes benign functional evidence as sufficient for likely benign (Tavtigian_2018). The following publications have been ascertained in the context of this evaluation (PMID: 33471991, 29394989, 29884841, 33273034, 35736817, 19043619, 22228431, 27376475, 23704879, 38417439). ClinVar contains an entry for this variant (Variation ID: 52732). Based on the evidence outlined above, the variant was classified as likely benign.

Labcorp Genetics (formerly Invitae), Labcorp
Classification: Likely benign for Hereditary breast ovarian cancer syndrome. Last evaluated: 2025-11-11. Review status: criteria provided, single submitter. Criteria: Invitae Variant Classification Sherloc (09022015). Collection method: clinical testing. Allele origin: germline.

All of Us Research Program, National Institutes of Health
Classification: Uncertain significance for BRCA2-related cancer predisposition. Last evaluated: 2024-09-16. Review status: criteria provided, single submitter. Criteria: ACMG Guidelines, 2015. Collection method: clinical testing. Allele origin: germline. Inheritance: Autosomal dominant inheritance. Observed: 5 variant alleles, 5 heterozygotes.
Comment: This missense variant replaces leucine with proline at codon 3011 of the BRCA2 protein. Computational prediction suggests that this variant may have deleterious impact on protein structure and function (internally defined REVEL score threshold >= 0.7, PMID: 27666373). Functional studies have reported that this variant has normal or intermediate homology-directed DNA repair activity (PMID: 29394989, 35736817). This variant has been detected in a breast cancer case-control meta-analysis in 0/60463 cases and 1/53461 unaffected individuals (PMID: 33471991; Leiden Open Variation Database DB-ID BRCA2_000395) and in a suspected hereditary breast and ovarian cancer family (PMID: 27376475). This variant also has been reported in 2 individuals age 70 years or older without cancer in the FLOSSIES database. This variant has not been identified in the general population by the Genome Aggregation Database (gnomAD). The available evidence is insufficient to determine the role of this variant in disease conclusively. Therefore, this variant is classified as a Variant of Uncertain Significance.

This study involves interpretation of variants in research participants for the purpose of population health screening. Participant phenotype was not available at the time of variant classification. Additional details can be found in publication PMID: 35346344, PMCID: PMC8962531

Color Diagnostics, LLC DBA Color Health
Classification: Uncertain significance for Hereditary cancer-predisposing syndrome. Last evaluated: 2024-07-17. Review status: criteria provided, single submitter. Criteria: ACMG Guidelines, 2015. Collection method: clinical testing. Allele origin: germline.
Comment: This missense variant replaces leucine with proline at codon 3011 of the BRCA2 protein. Computational prediction suggests that this variant may have deleterious impact on protein structure and function. Functional studies have reported that this variant has normal or intermediate homology-directed DNA repair activity (PMID: 29394989, 35736817). This variant has been detected in a breast cancer case-control meta-analysis in 0/60463 cases and 1/53461 unaffected individuals (PMID: 33471991; Leiden Open Variation Database DB-ID BRCA2_000395) and in a suspected hereditary breast and ovarian cancer family (PMID: 27376475). This variant also has been reported in 2 individuals age 70 years or older without cancer in the FLOSSIES database. This variant has not been identified in the general population by the Genome Aggregation Database (gnomAD). The available evidence is insufficient to determine the role of this variant in disease conclusively. Therefore, this variant is classified as a Variant of Uncertain Significance.

Quest Diagnostics Nichols Institute San Juan Capistrano
Classification: Uncertain significance. Last evaluated: 2023-12-22. Review status: criteria provided, single submitter. Criteria: Quest Diagnostics criteria. Collection method: clinical testing. Allele origin: unknown.
Comment: The BRCA2 c.9032T>C (p.Leu3011Pro) variant has been reported in the published literature in individuals with hereditary breast and/or ovarian cancer (PMIDs: 33273034 (2022), 34326862 (2021), 27376475 (2016)) as well as reportedly healthy individuals (PMID: 33471991 (2021) see also LOVD, and FLOSSIES). Functional prediction studies report conflicting effects of the variant on homology directed repair (PMIDs: 35736817 (2022), 29394989 (2018)) and overall protein function (PMIDs: 29884841 (2019), 23704879 (2013), 19043619 (2008)). This variant has not been reported in large, multi-ethnic general populations (Genome Aggregation Database). Analysis of this variant using bioinformatics tools for the prediction of the effect of amino acid changes on protein structure and function yielded predictions that this variant is damaging. Based on the available information, we are unable to determine the clinical significance of this variant.

Revvity Omics, Revvity
Classification: Uncertain significance. Last evaluated: 2022-03-01. Review status: criteria provided, single submitter. Criteria: ACMG Guidelines, 2015. Collection method: clinical testing. Allele origin: germline.

Ambry Genetics
Classification: Likely benign for Hereditary cancer-predisposing syndrome. Last evaluated: 2022-01-11. Review status: criteria provided, single submitter. Criteria: Ambry Variant Classification Scheme 2023. Collection method: clinical testing. Allele origin: germline.

Sema4
Classification: Uncertain significance for Hereditary cancer-predisposing syndrome. Last evaluated: 2021-07-21. Review status: criteria provided, single submitter. Criteria: Sema4 Curation Guidelines. Collection method: curation. Allele origin: germline.
Comment: The BRCA2 c.9032T>C (p.L3011P) variant has been reported in heterozygosity in at least one individual being evaluated for hereditary breast and ovarian cancer (PMID: 27376475). A homology directed DNA repair study demonstrated intermediate function of the protein (PMID: 29394989). It was not observed in the large and broad cohorts of the Genome Aggregation Database. The variant has been reported in ClinVar (Variation ID 52732). In silico tools suggest the impact of the variant on protein function is deleterious. The evidence is insufficient to meet ACMG/AMP criteria for classifying the variant as benign or pathogenic. Thus, the clinical significance of this variant is currently uncertain.

GeneDx
Classification: Uncertain significance. Last evaluated: 2019-06-06. Review status: criteria provided, single submitter. Criteria: GeneDx Variant Classification Process June 2021. Collection method: clinical testing. Allele origin: germline. Affected: yes.
Comment: Not observed in large population cohorts (Lek et al., 2016); In silico analysis, which includes protein predictors and evolutionary conservation, supports that this variant does not alter protein structure/function; This variant is associated with the following publications: (PMID: 23704879, 19043619, 27376475, 22228431, 10923033, 29394989, 29884841)

Counsyl
Classification: Uncertain significance for Breast-ovarian cancer, familial, susceptibility to, 2. Last evaluated: 2016-12-23. Review status: no assertion criteria provided. Collection method: clinical testing. Allele origin: unknown. Not counted in ClinVar's aggregate classification.

Sharing Clinical Reports Project (SCRP)
Classification: Likely benign for Breast-ovarian cancer, familial 2. Last evaluated: 2012-08-03. Review status: no assertion criteria provided. Collection method: clinical testing. Allele origin: germline. Not counted in ClinVar's aggregate classification.

Breast Cancer Information Core (BIC) (BRCA2)
Classification: Uncertain significance for Breast-ovarian cancer, familial 2. Last evaluated: 2003-12-23. Review status: no assertion criteria provided. Collection method: clinical testing. Allele origin: germline. Affected: yes. Observed: 2 variant alleles. Not counted in ClinVar's aggregate classification.

Literature cited by the submitters: PubMed 19043619 (cited by 4 submitters); PubMed 22228431 (cited by Women's Health and Genetics/Laboratory Corporation of America, LabCorp and Quest Diagnostics Nichols Institute San Juan Capistrano); PubMed 23704879 (cited by 3 submitters); PubMed 27376475 (cited by 7 submitters); PubMed 29884841 (cited by 3 submitters); PubMed 29394989 (cited by 6 submitters); PubMed 33471991 (cited by 4 submitters); PubMed 33273034 (cited by Women's Health and Genetics/Laboratory Corporation of America, LabCorp and Quest Diagnostics Nichols Institute San Juan Capistrano); PubMed 35736817 (cited by 4 submitters); PubMed 38417439 (cited by Women's Health and Genetics/Laboratory Corporation of America, LabCorp); PubMed 34326862 (cited by Quest Diagnostics Nichols Institute San Juan Capistrano).

NM_000059.4(BRCA2):c.9032T>C (p.Leu3011Pro)

Gene: BRCA2 (BRCA2 DNA repair associated; plus strand). Cytogenetic location: 13q13.1.
Variant type: single nucleotide variant.
Coding change: c.9032T>C on transcript NM_000059.4 (MANE Select); coding-DNA position 9032, T replaced by C.
Protein change: p.Leu3011Pro; replaces leucine 3011 with proline.
Molecular consequence: missense variant.
Genome position (GRCh38, 1-based): chr13:32,379,828, T>C. VCF-style: chr13-32379828-T-C. GRCh37 (hg19) VCF-style: chr13-32953965-T-C.
Other names: 9260T>C; short protein forms L3011P.
Identifiers: ClinVar variation 52732 (VCV000052732.33), dbSNP rs80359155, ClinGen allele CA025937.